The following is an entry in ClinVar:

ClinVar aggregate classification (germline): Uncertain significance (1 of 4 stars; one submission).

Submission:

Labcorp Genetics (formerly Invitae), Labcorp
Classification: Uncertain significance. Last evaluated: 2023-04-18. Review status: criteria provided, single submitter. Criteria: Invitae Variant Classification Sherloc (09022015). Collection method: clinical testing. Allele origin: germline.
Comment: In summary, the available evidence is currently insufficient to determine the role of this variant in disease. Therefore, it has been classified as a Variant of Uncertain Significance. An algorithm developed to predict the effect of missense changes on protein structure and function (PolyPhen-2) suggests that this variant is likely to be disruptive. This variant has not been reported in the literature in individuals affected with POP1-related conditions. This variant is not present in population databases (gnomAD no frequency). This sequence change replaces phenylalanine, which is neutral and non-polar, with leucine, which is neutral and non-polar, at codon 663 of the POP1 protein (p.Phe663Leu).

NM_001145860.2(POP1):c.1989T>A (p.Phe663Leu)

Gene: POP1 (POP1 ribonuclease P/MRP subunit; plus strand). Cytogenetic location: 8q22.2.
Variant type: single nucleotide variant.
Coding change: c.1989T>A on transcript NM_001145860.2 (MANE Select); coding-DNA position 1989, T replaced by A.
Protein change: p.Phe663Leu; replaces phenylalanine 663 with leucine.
Molecular consequence: missense variant.
Genome position (GRCh38, 1-based): chr8:98,150,571, T>A. VCF-style: chr8-98150571-T-A. GRCh37 (hg19) VCF-style: chr8-99162799-T-A.
Other names: c.1989T>A, p.Phe663Leu (NM_001145861.2, NM_015029.3); short protein forms F663L.
Identifiers: ClinVar variation 2839590 (VCV002839590.3), dbSNP rs2488085414, ClinGen allele CA371771571.